The following is an entry in ClinVar:

ClinVar aggregate classification (germline): Likely benign (1 of 4 stars; one submission).

gnomAD v4.1: 348 of 1,614,184 alleles (0.022%); highest among the groups gnomAD compares: Non-Finnish European, 0.029%; no homozygotes.

Submission:

CeGaT Center for Human Genetics Tuebingen
Classification: Likely benign. Last evaluated: 2024-10-01. Review status: criteria provided, single submitter. Criteria: CeGaT Center For Human Genetics Tuebingen Variant Classification Criteria Version 2. Collection method: clinical testing. Allele origin: germline. Affected: yes. Observed: 1 variant allele.
Comment: TM4SF20: BS2

NM_024795.4(TM4SF20):c.77A>G (p.Asn26Ser)

Gene: TM4SF20 (transmembrane 4 L six family member 20; minus strand). Cytogenetic location: 2q36.3.
Variant type: single nucleotide variant.
Coding change: c.77A>G on transcript NM_024795.4 (MANE Select); coding-DNA position 77, A replaced by G.
Protein change: p.Asn26Ser; replaces asparagine 26 with serine.
Molecular consequence: missense variant.
Genome position (GRCh38, 1-based): chr2:227,379,192, T>C on the plus strand (A>G on the coding strand, the complement: TM4SF20 is on the minus strand). VCF-style: chr2-227379192-T-C. GRCh37 (hg19) VCF-style: chr2-228243908-T-C.
Other names: short protein forms N26S.
Identifiers: ClinVar variation 3388544 (VCV003388544.14).